The following is an entry in ClinVar:

NM_001903.5(CTNNA1):c.1452G>A (p.Met484Ile)

Gene: CTNNA1 (catenin alpha 1; plus strand). Cytogenetic location: 5q31.2.
Variant type: single nucleotide variant.
Coding change: c.1452G>A on transcript NM_001903.5 (MANE Select); coding-DNA position 1452, G replaced by A.
Protein change: p.Met484Ile; replaces methionine 484 with isoleucine.
Molecular consequence: missense variant. On other transcripts: initiator codon variant (5).
Genome position (GRCh38, 1-based): chr5:138,917,804, G>A. VCF-style: chr5-138917804-G-A. GRCh37 (hg19) VCF-style: chr5-138253493-G-A.
Other names: c.1452G>A, p.Met484Ile (NM_001290307.3, NM_001323982.2, NM_001323983.1 and 2 more transcripts); c.1143G>A, p.Met381Ile (NM_001290309.3); c.1083G>A, p.Met361Ile (NM_001290310.3); c.342G>A, p.Met114Ile (NM_001290312.1, NM_001323987.1, NM_001323988.1 and 17 more transcripts); c.1359G>A, p.Met453Ile (NM_001323986.2); c.3G>A, p.Met1Ile (NM_001324006.1, NM_001324007.1, NM_001324008.1 and 2 more transcripts); c.249G>A, p.Met83Ile (NM_001324011.1); c.99G>A, p.Met33Ile (NM_001324012.1, NM_001324013.1); and 1 more; short protein forms M114I, M33I, M484I, M361I, M1I, M453I, M83I, M381I.
Identifiers: ClinVar variation 2837269 (VCV002837269.4), dbSNP rs2533589247, ClinGen allele CA361137215.

ClinVar aggregate classification (germline): Uncertain significance. Review status: criteria provided, multiple submitters, no conflicts (2 of 4 stars). 2 submissions from 2 submitters: Uncertain significance (2). Last evaluated 2024-01-14.

Conditions:
Hereditary cancer-predisposing syndrome. Also called: Tumor predisposition; Neoplastic Syndromes, Hereditary; Hereditary Cancer Syndrome; Hereditary neoplastic syndrome. Identifiers: Orphanet 140162, MedGen C0027672, MeSH D009386, MONDO:0015356.

Allele frequency attached by ClinVar (database versions not stated): gnomAD exomes below 0.00001.
gnomAD v4.1: 1 of 1,614,132 alleles (0.000062%); highest among the groups gnomAD compares: South Asian, 0.0011%; no homozygotes.

Submissions (2):

Ambry Genetics
Classification: Uncertain significance for Hereditary cancer-predisposing syndrome. Last evaluated: 2024-01-14. Review status: criteria provided, single submitter. Criteria: Ambry Variant Classification Scheme 2023. Collection method: clinical testing. Allele origin: germline.
Comment: The p.M484I variant (also known as c.1452G>A), located in coding exon 10 of the CTNNA1 gene, results from a G to A substitution at nucleotide position 1452. The methionine at codon 484 is replaced by isoleucine, an amino acid with highly similar properties. This amino acid position is conserved. In addition, this alteration is predicted to be deleterious by in silico analysis. Since supporting evidence is limited at this time, the clinical significance of this alteration remains unclear.

Labcorp Genetics (formerly Invitae), Labcorp
Classification: Uncertain significance. Last evaluated: 2023-03-07. Review status: criteria provided, single submitter. Criteria: Invitae Variant Classification Sherloc (09022015). Collection method: clinical testing. Allele origin: germline.
Comment: This variant has not been reported in the literature in individuals affected with CTNNA1-related conditions. This variant is not present in population databases (gnomAD no frequency). This sequence change replaces methionine, which is neutral and non-polar, with isoleucine, which is neutral and non-polar, at codon 484 of the CTNNA1 protein (p.Met484Ile). Advanced modeling of protein sequence and biophysical properties (such as structural, functional, and spatial information, amino acid conservation, physicochemical variation, residue mobility, and thermodynamic stability) performed at Invitae indicates that this missense variant is not expected to disrupt CTNNA1 protein function. In summary, the available evidence is currently insufficient to determine the role of this variant in disease. Therefore, it has been classified as a Variant of Uncertain Significance.